The following is an entry in ClinVar:

NM_001365536.1(SCN9A):c.178C>T (p.Pro60Ser)

Gene: SCN9A (sodium voltage-gated channel alpha subunit 9; minus strand). Cytogenetic location: 2q24.3.
Variant type: single nucleotide variant.
Coding change: c.178C>T on transcript NM_001365536.1 (MANE Select); coding-DNA position 178, C replaced by T.
Protein change: p.Pro60Ser; replaces proline 60 with serine.
Molecular consequence: missense variant.
Genome position (GRCh38, 1-based): chr2:166,311,579, G>A on the plus strand (C>T on the coding strand, the complement: SCN9A is on the minus strand). VCF-style: chr2-166311579-G-A. GRCh37 (hg19) VCF-style: chr2-167168089-G-A.
Other names: c.178C>T, p.Pro60Ser (NM_002977.4); short protein forms P60S.
Identifiers: ClinVar variation 3754125 (VCV003754125.2).
Genomic context (GRCh38, chr2:166,311,579, plus strand): 5'-GGTCCAAGTCCTCCAGGGGCTCTGACACCATGCCGGGAGGAATGTCCCCATAGATGAAGG[G>A]CAGCTGTTTGCCAGCTTCCAAGTCACTGCTTGGCTTTGGGGCTTCTTCATCATCATCTTT-3'
Protein context (NP_001352465.1, residues 50-70): SSDLEAGKQL[Pro60Ser]FIYGDIPPGM

ClinVar aggregate classification (germline): Uncertain significance (1 of 4 stars; one submission).

Conditions:
Neuropathy, hereditary sensory and autonomic, type 2A (HSAN2A). Also called: ACROOSTEOLYSIS, GIACCAI TYPE; ACROOSTEOLYSIS, NEUROGENIC; WNK1-Related HSAN2 (HSAN2A); MORVAN DISEASE; NEUROPATHY, CONGENITAL SENSORY; NEUROPATHY, HEREDITARY SENSORY RADICULAR, AUTOSOMAL RECESSIVE. Identifiers: Orphanet 970, MedGen C2752089, MONDO:0024309, OMIM 201300.
Generalized epilepsy with febrile seizures plus, type 7 (GEFSP7). Also called: GEFS+, TYPE 7. Identifiers: Orphanet 36387, MedGen C2751778, MONDO:0013470, OMIM 613863.

gnomAD v4.1: 1 of 1,613,200 alleles (0.000062%); highest among the groups gnomAD compares: East Asian, 0.0022%; no homozygotes.

Submission:

Labcorp Genetics (formerly Invitae), Labcorp
Classification: Uncertain significance for Neuropathy, hereditary sensory and autonomic, type 2A; Generalized epilepsy with febrile seizures plus, type 7. Last evaluated: 2025-10-13. Review status: criteria provided, single submitter. Criteria: Invitae Variant Classification Sherloc (09022015). Collection method: clinical testing. Allele origin: germline.
Comment: This sequence change replaces proline, which is neutral and non-polar, with serine, which is neutral and polar, at codon 60 of the SCN9A protein (p.Pro60Ser). This variant is not present in population databases (gnomAD no frequency). This variant has not been reported in the literature in individuals affected with SCN9A-related conditions. ClinVar contains an entry for this variant (Variation ID: 3754125). Invitae Evidence Modeling of protein sequence and biophysical properties (such as structural, functional, and spatial information, amino acid conservation, physicochemical variation, residue mobility, and thermodynamic stability) has been performed for this missense variant. However, the output from this modeling did not meet the statistical confidence thresholds required to predict the impact of this variant on SCN9A protein function. In summary, the available evidence is currently insufficient to determine the role of this variant in disease. Therefore, it has been classified as a Variant of Uncertain Significance.